The following is an entry in ClinVar:

ClinVar aggregate classification (germline): Likely benign (1 of 4 stars; one submission).

gnomAD v4.1: 97 of 1,610,606 alleles (0.006%); highest among the groups gnomAD compares: Non-Finnish European, 0.0078%; no homozygotes.

Submission:

CeGaT Center for Human Genetics Tuebingen
Classification: Likely benign. Last evaluated: 2026-01-01. Review status: criteria provided, single submitter. Criteria: CeGaT Center For Human Genetics Tuebingen Variant Classification Criteria Version 2. Collection method: clinical testing. Allele origin: germline. Affected: yes. Observed: 2 variant alleles.
Comment: SUZ12: BP4

NM_015355.4(SUZ12):c.2147A>G (p.Asn716Ser)

Gene: SUZ12 (SUZ12 polycomb repressive complex 2 subunit; plus strand). Cytogenetic location: 17q11.2.
Variant type: single nucleotide variant.
Coding change: c.2147A>G on transcript NM_015355.4 (MANE Select); coding-DNA position 2147, A replaced by G.
Protein change: p.Asn716Ser; replaces asparagine 716 with serine.
Molecular consequence: missense variant.
Genome position (GRCh38, 1-based): chr17:31,998,930, A>G. VCF-style: chr17-31998930-A-G. GRCh37 (hg19) VCF-style: chr17-30325949-A-G.
Other names: c.2078A>G, p.Asn693Ser (NM_001321207.2); short protein forms N693S, N716S.
Identifiers: ClinVar variation 3257003 (VCV003257003.17).